The following is an entry in ClinVar:

ClinVar aggregate classification (germline): Conflicting classifications of pathogenicity. Review status: criteria provided, conflicting classifications (1 of 4 stars). 3 submissions from 3 submitters: Uncertain significance (2); Likely benign (1). Last evaluated 2024-10-29.

Conditions:
Inborn genetic diseases. Identifiers: MedGen C0950123, MeSH D030342.
Short-rib thoracic dysplasia 6 with or without polydactyly (SRTD6). Also called: POLYDACTYLY WITH NEONATAL CHONDRODYSTROPHY, TYPE II; Majewski Syndrome; SHORT RIB-POLYDACTYLY SYNDROME, TYPE IIA; SHORT-RIB THORACIC DYSPLASIA 6 WITH POLYDACTYLY; SHORT-RIB THORACIC DYSPLASIA 6 WITHOUT POLYDACTYLY. Identifiers: MedGen C0024507, MONDO:0009894, OMIM 263520.

Allele frequency attached by ClinVar (database versions not stated): gnomAD 0.00001; TOPMed 0.00002; ExAC 0.00005.
gnomAD v4.1: 47 of 1,613,480 alleles (0.0029%); highest among the groups gnomAD compares: South Asian, 0.046%; no homozygotes.

Submissions (3):

Labcorp Genetics (formerly Invitae), Labcorp
Classification: Uncertain significance for Short-rib thoracic dysplasia 6 with or without polydactyly. Last evaluated: 2024-10-29. Review status: criteria provided, single submitter. Criteria: Invitae Variant Classification Sherloc (09022015). Collection method: clinical testing. Allele origin: germline.
Comment: This sequence change replaces serine, which is neutral and polar, with leucine, which is neutral and non-polar, at codon 299 of the NEK1 protein (p.Ser299Leu). This variant is present in population databases (rs201587614, gnomAD 0.04%). This variant has not been reported in the literature in individuals affected with NEK1-related conditions. ClinVar contains an entry for this variant (Variation ID: 348119). Invitae Evidence Modeling of protein sequence and biophysical properties (such as structural, functional, and spatial information, amino acid conservation, physicochemical variation, residue mobility, and thermodynamic stability) indicates that this missense variant is not expected to disrupt NEK1 protein function with a negative predictive value of 95%. In summary, the available evidence is currently insufficient to determine the role of this variant in disease. Therefore, it has been classified as a Variant of Uncertain Significance.

Ambry Genetics
Classification: Likely benign for Inborn genetic diseases. Last evaluated: 2022-08-17. Review status: criteria provided, single submitter. Criteria: Ambry Variant Classification Scheme 2023. Collection method: clinical testing. Allele origin: germline.

Illumina Laboratory Services, Illumina
Classification: Uncertain significance for Short-rib thoracic dysplasia 6 with or without polydactyly. Last evaluated: 2018-01-13. Review status: criteria provided, single submitter. Criteria: ICSL Variant Classification Criteria 13 December 2019. Collection method: clinical testing. Allele origin: germline.

NM_001199397.3(NEK1):c.896C>T (p.Ser299Leu)

Gene: NEK1 (NIMA related kinase 1; minus strand). Cytogenetic location: 4q33.
Variant type: single nucleotide variant.
Coding change: c.896C>T on transcript NM_001199397.3 (MANE Select); coding-DNA position 896, C replaced by T.
Protein change: p.Ser299Leu; replaces serine 299 with leucine.
Molecular consequence: missense variant. On other transcripts: non-coding transcript variant (2).
Genome position (GRCh38, 1-based): chr4:169,577,052, G>A on the plus strand (C>T on the coding strand, the complement: NEK1 is on the minus strand). VCF-style: chr4-169577052-G-A. GRCh37 (hg19) VCF-style: chr4-170498203-G-A.
Other names: c.896C>T, p.Ser299Leu (NM_001199398.3, NM_001199399.3, NM_001199400.3 and 7 more transcripts); short protein forms S299L.
Identifiers: ClinVar variation 348119 (VCV000348119.9), dbSNP rs201587614, ClinGen allele CA3137915.